The following is an entry in ClinVar:

NM_002661.5(PLCG2):c.61G>A (p.Ala21Thr)

Gene: PLCG2 (phospholipase C gamma 2; plus strand). Cytogenetic location: 16q23.3.
Variant type: single nucleotide variant.
Coding change: c.61G>A on transcript NM_002661.5 (MANE Select); coding-DNA position 61, G replaced by A.
Protein change: p.Ala21Thr; replaces alanine 21 with threonine.
Molecular consequence: missense variant.
Genome position (GRCh38, 1-based): chr16:81,786,050, G>A. VCF-style: chr16-81786050-G-A. GRCh37 (hg19) VCF-style: chr16-81819655-G-A.
Other names: c.61G>A, p.Ala21Thr (NM_001425749.1, NM_001425750.1, NM_001425751.1); short protein forms A21T.
Identifiers: ClinVar variation 3667210 (VCV003667210.2).
Genomic context (GRCh38, chr16:81,786,050, plus strand): 5'-ATGTCCACCACGGTCAATGTAGATTCCCTTGCGGAATATGAGAAGAGCCAGATCAAGAGA[G>A]CCCTGGAGCTGGGGACGGTGATGACTGTGTTCAGCTTCCGCAAGTCCACCCCCGAGCGGA-3'
Protein context (NP_002652.2, residues 11-31): AEYEKSQIKR[Ala21Thr]LELGTVMTVF

ClinVar aggregate classification (germline): Uncertain significance (1 of 4 stars; one submission).

Conditions:
Familial cold autoinflammatory syndrome 3 (FCAS3). Also called: ANTIBODY DEFICIENCY AND IMMUNE DYSREGULATION, PLCG2-ASSOCIATED; FAMILIAL ATYPICAL COLD URTICARIA. Identifiers: Orphanet 300359, MedGen C3280914, MONDO:0013766, OMIM 614468.

gnomAD v4.1: 1 of 1,614,232 alleles (0.000062%); highest among the groups gnomAD compares: Non-Finnish European, 0.000085%; no homozygotes.

Submission:

Labcorp Genetics (formerly Invitae), Labcorp
Classification: Uncertain significance for Familial cold autoinflammatory syndrome 3. Last evaluated: 2024-04-10. Review status: criteria provided, single submitter. Criteria: Invitae Variant Classification Sherloc (09022015). Collection method: clinical testing. Allele origin: germline.
Comment: This sequence change replaces alanine, which is neutral and non-polar, with threonine, which is neutral and polar, at codon 21 of the PLCG2 protein (p.Ala21Thr). This variant is not present in population databases (gnomAD no frequency). This variant has not been reported in the literature in individuals affected with PLCG2-related conditions. Algorithms developed to predict the effect of missense changes on protein structure and function output the following: SIFT: "Not Available"; PolyPhen-2: "Benign"; Align-GVGD: "Not Available". The threonine amino acid residue is found in multiple mammalian species, which suggests that this missense change does not adversely affect protein function. In summary, the available evidence is currently insufficient to determine the role of this variant in disease. Therefore, it has been classified as a Variant of Uncertain Significance.